The following is an entry in ClinVar:

NM_001378615.1(CC2D2A):c.3341C>T (p.Thr1114Met)

Genes: CC2D2A (coiled-coil and C2 domain containing 2A; plus strand), FBXL5 (F-box and leucine rich repeat protein 5; minus strand). Cytogenetic location: 4p15.32.
Variant type: single nucleotide variant.
Coding change: c.3341C>T on transcript NM_001378615.1 (MANE Select); coding-DNA position 3341, C replaced by T.
Protein change: p.Thr1114Met; replaces threonine 1114 with methionine.
Molecular consequence: missense variant.
Genome position (GRCh38, 1-based): chr4:15,567,729, C>T. VCF-style: chr4-15567729-C-T. GRCh37 (hg19) VCF-style: chr4-15569352-C-T.
Other names: c.3341C>T, p.Thr1114Met (NM_001080522.2); c.3194C>T, p.Thr1065Met (NM_001378617.1); short protein forms T1114M, T1065M.
Identifiers: ClinVar variation 56304 (VCV000056304.16), dbSNP rs386833752, ClinGen allele CA144225.

ClinVar aggregate classification (germline): Pathogenic/Likely pathogenic. Review status: criteria provided, multiple submitters, no conflicts (2 of 4 stars). 9 submissions from 9 submitters: Pathogenic (4); Likely pathogenic (3). 2 of the submissions do not count toward it. Last evaluated 2026-04-28.

Conditions:
COACH syndrome 2. Identifiers: MedGen C5436837, MONDO:0030859, OMIM 619111.
Retinitis pigmentosa 93. Identifiers: MedGen C5676970, MONDO:0030797, OMIM 619845.
Meckel syndrome, type 6. Identifiers: Orphanet 564, MedGen C2676790, MONDO:0012848, OMIM 612284.
Joubert syndrome 9 (JBTS9). Identifiers: Orphanet 2318, MedGen C2676788, MONDO:0012849, OMIM 612285.
CC2D2A-related disorder. Also called: CC2D2A-related disorders; CC2D2A-related condition. Identifiers: MedGen CN239313.
Joubert syndrome and related disorders. Identifiers: Orphanet 140874, MedGen C5679612, MONDO:0015369.
Polydactyly. Also called: polydactylism. Identifiers: MedGen C0152427, MONDO:0021003, OMIM 603596, HP:0010442.
Meckel-Gruber syndrome. Also called: Dysencephalia splachnocystica; DYSENCEPHALIA SPLANCHNOCYSTICA; GRUBER SYNDROME. Identifiers: Orphanet 564, MedGen C0265215, MONDO:0018921.
Joubert syndrome. Also called: Familial aplasia of the vermis; JOUBERT-BOLTSHAUSER SYNDROME. Identifiers: Orphanet 475, MedGen C5979921, MONDO:0018772.

Allele frequency attached by ClinVar (database versions not stated): gnomAD exomes 0.00004 and 0.00002; gnomAD 0.00003 and 0.00002; TOPMed 0.00002; ExAC 0.00005.
gnomAD v4.1: 26 of 1,605,054 alleles (0.0016%); highest among the groups gnomAD compares: Admixed American, 0.0052%; no homozygotes.

Submissions (9):

Myriad Genetics, Inc.
Classification: Likely pathogenic for Joubert syndrome and related disorders. Last evaluated: 2026-04-28. Review status: criteria provided, single submitter. Criteria: Myriad Autosomal Dominant, Autosomal Recessive and X-Linked Classification Criteria (2023). Collection method: clinical testing. Allele origin: unknown.
Comment: NM_001080522.2(CC2D2A):c.3341C>T(T1114M) is a missense variant classified as likely pathogenic in the context of CC2D2A-related disorders. T1114M has been observed in cases with relevant disease (PMID: 22241855, 19466712, P36319078, 34234304, Ginevrino_2019_(Abstract)). Relevant functional assessments of this variant are not available in the literature. T1114M has been observed in referenced population frequency databases. In summary, NM_001080522.2(CC2D2A):c.3341C>T(T1114M) is a missense variant that has been observed more frequently in cases with the relevant disease than in healthy populations. Please note: this variant was assessed in the context of healthy population screening.

Labcorp Genetics (formerly Invitae), Labcorp
Classification: Pathogenic for Joubert syndrome; Meckel-Gruber syndrome. Last evaluated: 2026-01-26. Review status: criteria provided, single submitter. Criteria: Invitae Variant Classification Sherloc (09022015). Collection method: clinical testing. Allele origin: germline.
Comment: This sequence change replaces threonine, which is neutral and polar, with methionine, which is neutral and non-polar, at codon 1114 of the CC2D2A protein (p.Thr1114Met). This variant is present in population databases (rs386833752, gnomAD 0.01%). This missense change has been observed in individual(s) with CC2D2A-related conditions (PMID: 19466712, 19777577, 26092869). In at least one individual the data is consistent with being in trans (on the opposite chromosome) from a pathogenic variant. ClinVar contains an entry for this variant (Variation ID: 56304). Invitae Evidence Modeling of protein sequence and biophysical properties (such as structural, functional, and spatial information, amino acid conservation, physicochemical variation, residue mobility, and thermodynamic stability) indicates that this missense variant is expected to disrupt CC2D2A protein function with a positive predictive value of 95%. For these reasons, this variant has been classified as Pathogenic.

GeneDx
Classification: Likely pathogenic. Last evaluated: 2025-12-16. Review status: criteria provided, single submitter. Criteria: GeneDx Variant Classification Process June 2021. Collection method: clinical testing. Allele origin: germline. Affected: yes.
Comment: Reported in a patient with Meckel syndrome who also harbored a second CC2D2A variant (PMID: 19466712); In silico analysis supports that this missense variant has a deleterious effect on protein structure/function; Not observed at significant frequency in large population cohorts (gnomAD); This variant is associated with the following publications: (PMID: 19777577, 38036193, 26092869, 34234304, 31964843, 19466712)

First Genomix Gene Laboratory, Genetic Diagnostics Department
Classification: Likely pathogenic for COACH syndrome 2; Joubert syndrome 9; Meckel syndrome, type 6; Retinitis pigmentosa 93. Last evaluated: 2025-01-27. Review status: criteria provided, single submitter. Criteria: ACMG Guidelines, 2015. Collection method: clinical testing. Allele origin: germline. Inheritance: Autosomal recessive inheritance. Affected: no. Observed: 1 variant allele.

Blueprint Genetics
Classification: Pathogenic for CC2D2A-related disorders. Last evaluated: 2022-01-12. Review status: criteria provided, single submitter. Criteria: ACMG Guidelines, 2015. Collection method: clinical testing. Allele origin: germline. Affected: yes. Observed: 4 variant alleles.

UW Hindbrain Malformation Research Program, University of Washington
Classification: Pathogenic for Joubert syndrome 9. Last evaluated: 2015-02-23. Review status: criteria provided, single submitter. Criteria: Bachmann-Gagescu et al. (J Med Genet. 2015). Collection method: research. Allele origin: unknown. Affected: yes.

Kariminejad - Najmabadi Pathology & Genetics Center
Classification: Pathogenic for COACH syndrome 2. Review status: criteria provided, single submitter. Criteria: ACMG Guidelines, 2015. Collection method: clinical testing. Allele origin: germline. Affected: no.

Juha Muilu Group; Institute for Molecular Medicine Finland (FIMM)
Classification: Likely pathogenic for Meckel syndrome, type 6. Review status: no assertion criteria provided. Collection method: not provided. Allele origin: unknown. Not counted in ClinVar's aggregate classification.
Comment: FinDis database variant: This variant was not found or characterized by our laboratory, data were collected from public sources: see reference
ClinVar note: Converted during submission from probable-pathogenic to Likely pathogenic.

Genomic Medicine Lab, University of California San Francisco
Classification: Uncertain significance for Polydactyly. Last evaluated: 2018-07-26. Review status: flagged submission. Criteria: ACMG Guidelines, 2015. Collection method: clinical testing. Allele origin: paternal. Inheritance: Autosomal recessive inheritance. Study: CSER. Not counted in ClinVar's aggregate classification.
ClinVar note: Reason: Outlier claim with insufficient supporting evidence

Literature cited by the submitters: PubMed 19466712 (cited by Labcorp Genetics (formerly Invitae), Labcorp); PubMed 19777577 (cited by Labcorp Genetics (formerly Invitae), Labcorp); PubMed 26092869 (cited by Labcorp Genetics (formerly Invitae), Labcorp).